The following is an entry in ClinVar:

ClinVar aggregate classification (germline): Uncertain significance. Review status: criteria provided, multiple submitters, no conflicts (2 of 4 stars). 2 submissions from 2 submitters: Uncertain significance (2). Last evaluated 2026-01-31.

Allele frequency attached by ClinVar (database versions not stated): ExAC 0.00002; gnomAD exomes 0.00002; TOPMed 0.00002.
gnomAD v4.1: 34 of 1,614,080 alleles (0.0021%); highest among the groups gnomAD compares: Non-Finnish European, 0.0027%; no homozygotes.

Submissions (2):

Labcorp Genetics (formerly Invitae), Labcorp
Classification: Uncertain significance. Last evaluated: 2026-01-31. Review status: criteria provided, single submitter. Criteria: Invitae Variant Classification Sherloc (09022015). Collection method: clinical testing. Allele origin: germline.
Comment: This sequence change replaces arginine, which is basic and polar, with glutamine, which is neutral and polar, at codon 471 of the DSTYK protein (p.Arg471Gln). This variant is present in population databases (rs774752814, gnomAD 0.003%). This variant has not been reported in the literature in individuals affected with DSTYK-related conditions. ClinVar contains an entry for this variant (Variation ID: 2141680). An algorithm developed to predict the effect of missense changes on protein structure and function outputs the following: PolyPhen-2: "Benign". The glutamine amino acid residue is found in multiple mammalian species, which suggests that this missense change does not adversely affect protein function. In summary, the available evidence is currently insufficient to determine the role of this variant in disease. Therefore, it has been classified as a Variant of Uncertain Significance.

Ambry Genetics
Classification: Uncertain significance. Last evaluated: 2025-08-25. Review status: criteria provided, single submitter. Criteria: Ambry Variant Classification Scheme 2023. Collection method: clinical testing. Allele origin: germline.

NM_015375.3(DSTYK):c.1412G>A (p.Arg471Gln)

Gene: DSTYK (dual serine/threonine and tyrosine protein kinase; minus strand). Cytogenetic location: 1q32.1.
Variant type: single nucleotide variant.
Coding change: c.1412G>A on transcript NM_015375.3 (MANE Select); coding-DNA position 1412, G replaced by A.
Protein change: p.Arg471Gln; replaces arginine 471 with glutamine.
Molecular consequence: missense variant.
Genome position (GRCh38, 1-based): chr1:205,163,868, C>T on the plus strand (G>A on the coding strand, the complement: DSTYK is on the minus strand). VCF-style: chr1-205163868-C-T. GRCh37 (hg19) VCF-style: chr1-205132996-C-T.
Other names: c.1412G>A, p.Arg471Gln (NM_199462.3); c.1412G>A (NM_015375.2); short protein forms R471Q.
Identifiers: ClinVar variation 2141680 (VCV002141680.5), dbSNP rs774752814, ClinGen allele CA1352848.